The following is an entry in ClinVar:

ClinVar aggregate classification (germline): Likely benign (0 of 4 stars; one submission).

Conditions:
EP300-related disorder. Also called: EP300-related disorders; EP300-related condition.

gnomAD v4.1: 2 of 1,613,632 alleles (0.00012%); highest among the groups gnomAD compares: African/African-American, 0.0013%; no homozygotes.

Submission:

PreventionGenetics, part of Exact Sciences
Classification: Likely benign for EP300-related condition. Last evaluated: 2022-03-17. Review status: no assertion criteria provided. Collection method: clinical testing. Allele origin: germline.
Comment: This variant is classified as likely benign based on ACMG/AMP sequence variant interpretation guidelines (Richards et al. 2015 PMID: 25741868, with internal and published modifications).

NM_001429.4(EP300):c.2277C>T (p.Ser759=)

Gene: EP300 (E1A binding protein p300; plus strand). Cytogenetic location: 22q13.2.
Variant type: single nucleotide variant.
Coding change: c.2277C>T on transcript NM_001429.4 (MANE Select); coding-DNA position 2277, C replaced by T.
Protein change: p.Ser759=; no amino-acid change (serine 759 retained).
Molecular consequence: synonymous variant.
Genome position (GRCh38, 1-based): chr22:41,149,073, C>T. VCF-style: chr22-41149073-C-T. GRCh37 (hg19) VCF-style: chr22-41545077-C-T.
Other names: c.2199C>T, p.Ser733= (NM_001362843.2).
Identifiers: ClinVar variation 3355329 (VCV003355329.1).